The following is an entry in ClinVar:

NM_006206.6(PDGFRA):c.437C>T (p.Ala146Val)

Gene: PDGFRA (platelet derived growth factor receptor alpha; plus strand). Cytogenetic location: 4q12.
Variant type: single nucleotide variant.
Coding change: c.437C>T on transcript NM_006206.6 (MANE Select); coding-DNA position 437, C replaced by T.
Protein change: p.Ala146Val; replaces alanine 146 with valine.
Molecular consequence: missense variant.
Genome position (GRCh38, 1-based): chr4:54,263,736, C>T. VCF-style: chr4-54263736-C-T. GRCh37 (hg19) VCF-style: chr4-55129903-C-T.
Other names: c.437C>T, p.Ala146Val (NM_001347827.2, NM_001347829.2); c.512C>T, p.Ala171Val (NM_001347828.2); c.476C>T, p.Ala159Val (NM_001347830.2); short protein forms A146V, A171V, A159V.
Identifiers: ClinVar variation 834302 (VCV000834302.11), dbSNP rs1249349361, ClinGen allele CA356889824.

ClinVar aggregate classification (germline): Conflicting classifications of pathogenicity. Review status: criteria provided, conflicting classifications (1 of 4 stars). 2 submissions from 2 submitters: Uncertain significance (1); Likely benign (1). Last evaluated 2026-01-22.

Conditions:
Hereditary cancer-predisposing syndrome. Also called: Neoplastic Syndromes, Hereditary; Tumor predisposition; Hereditary Cancer Syndrome; Hereditary neoplastic syndrome. Identifiers: Orphanet 140162, MedGen C0027672, MeSH D009386, MONDO:0015356.
Gastrointestinal stromal tumor. Also called: Gastrointestinal stromal tumor, somatic; Gastrointestinal stroma tumor. Identifiers: Orphanet 44890, MedGen C0238198, MeSH D046152, MONDO:0011719, OMIM 606764, HP:0100723.

Allele frequency attached by ClinVar (database versions not stated): gnomAD exomes below 0.00001.
gnomAD v4.1: 1 of 1,613,770 alleles (0.000062%); no homozygotes.

Submissions (2):

Ambry Genetics
Classification: Likely benign for Hereditary cancer-predisposing syndrome. Last evaluated: 2026-01-22. Review status: criteria provided, single submitter. Criteria: Ambry Variant Classification Scheme 2023. Collection method: clinical testing. Allele origin: germline.

Labcorp Genetics (formerly Invitae), Labcorp
Classification: Uncertain significance for Gastrointestinal stromal tumor. Last evaluated: 2025-07-21. Review status: criteria provided, single submitter. Criteria: Invitae Variant Classification Sherloc (09022015). Collection method: clinical testing. Allele origin: germline.
Comment: This sequence change replaces alanine, which is neutral and non-polar, with valine, which is neutral and non-polar, at codon 146 of the PDGFRA protein (p.Ala146Val). This variant is present in population databases (no rsID available, gnomAD 0.01%). This variant has not been reported in the literature in individuals affected with PDGFRA-related conditions. ClinVar contains an entry for this variant (Variation ID: 834302). Invitae Evidence Modeling of protein sequence and biophysical properties (such as structural, functional, and spatial information, amino acid conservation, physicochemical variation, residue mobility, and thermodynamic stability) indicates that this missense variant is not expected to disrupt PDGFRA protein function with a negative predictive value of 80%. In summary, the available evidence is currently insufficient to determine the role of this variant in disease. Therefore, it has been classified as a Variant of Uncertain Significance.